The following is an entry in ClinVar:

NM_000166.6(GJB1):c.491G>T (p.Arg164Leu)

Gene: GJB1 (gap junction protein beta 1; plus strand). Cytogenetic location: Xq13.1.
Variant type: single nucleotide variant.
Coding change: c.491G>T on transcript NM_000166.6 (MANE Select); coding-DNA position 491, G replaced by T.
Protein change: p.Arg164Leu; replaces arginine 164 with leucine.
Molecular consequence: missense variant.
Genome position (GRCh38, 1-based): chrX:71,224,198, G>T. VCF-style: chrX-71224198-G-T. GRCh37 (hg19) VCF-style: chrX-70444048-G-T.
Other names: c.491G>T, p.Arg164Leu (NM_001097642.3); short protein forms R164L.
Identifiers: ClinVar variation 846947 (VCV000846947.9), dbSNP rs1241595912, ClinGen allele CA413502762.

ClinVar aggregate classification (germline): Likely pathogenic (1 of 4 stars; one submission).

Conditions:
Charcot-Marie-Tooth Neuropathy X. Identifiers: MedGen CN118851.

Submission:

Labcorp Genetics (formerly Invitae), Labcorp
Classification: Likely pathogenic for Charcot-Marie-Tooth Neuropathy X. Last evaluated: 2022-08-22. Review status: criteria provided, single submitter. Criteria: Invitae Variant Classification Sherloc (09022015). Collection method: clinical testing. Allele origin: germline.
Comment: This variant disrupts the p.Arg164 amino acid residue in GJB1. Other variant(s) that disrupt this residue have been determined to be pathogenic (PMID: 7580242, 8733054, 9187667, 15006706, 27844031). This suggests that this residue is clinically significant, and that variants that disrupt this residue are likely to be disease-causing. In summary, the currently available evidence indicates that the variant is pathogenic, but additional data are needed to prove that conclusively. Therefore, this variant has been classified as Likely Pathogenic. Algorithms developed to predict the effect of missense changes on protein structure and function (SIFT, PolyPhen-2, Align-GVGD) all suggest that this variant is likely to be disruptive. ClinVar contains an entry for this variant (Variation ID: 846947). This missense change has been observed in individuals with clinical features of Charcot-Marie-Tooth disease (PMID: 28768847, 31902012; Invitae). This variant is not present in population databases (gnomAD no frequency). This sequence change replaces arginine, which is basic and polar, with leucine, which is neutral and non-polar, at codon 164 of the GJB1 protein (p.Arg164Leu).

Literature cited by the submitters: PubMed 7580242; PubMed 8733054; PubMed 9187667; PubMed 15006706; PubMed 27844031; PubMed 28768847; PubMed 31902012.